The following is an entry in ClinVar:

ClinVar aggregate classification (germline): Uncertain significance. Review status: criteria provided, multiple submitters, no conflicts (2 of 4 stars). 2 submissions from 2 submitters: Uncertain significance (2).

Conditions:
Renal-hepatic-pancreatic dysplasia 2 (RHPD2). Identifiers: MedGen C3809434, MONDO:0014174, OMIM 615415.
Nephronophthisis 9 (NPHP9). Identifiers: Orphanet 655, MedGen C3151188, MONDO:0013444, OMIM 613824.

Submissions (3):

Juno Genomics, Hangzhou Juno Genomics, Inc
Classification: Uncertain significance for Nephronophthisis 9; Renal-hepatic-pancreatic dysplasia 2. Review status: criteria provided, single submitter. Criteria: ACMG Guidelines, 2015. Collection method: clinical testing. Allele origin: germline. Affected: yes.
Comment: Absent from controls (or at extremely low frequency if recessive) in Genome Aggregation Database, Exome Sequencing Project, 1000 Genomes Project, or Exome Aggregation Consortium.;Multiple lines of computational evidence support a deleterious effect on the gene or gene product (conservation, evolutionary, splicing impact, etc).;Patient's phenotype or family history is highly specific for a disease with a single genetic etiology.

Neuberg Centre For Genomic Medicine, NCGM
Classification: Uncertain significance for Renal-hepatic-pancreatic dysplasia 2. Review status: criteria provided, single submitter. Criteria: ACMG Guidelines, 2015. Collection method: clinical testing. Allele origin: germline. Inheritance: Autosomal recessive inheritance. Affected: yes.

Dr. Peter K. Rogan Lab, Western University
No classification provided (evidence only). Condition: Thyroid cancer, nonmedullary, 1. Review status: no classification provided. Collection method: in vitro. Allele origin: not applicable. Functional consequence: retained intron. Not counted in ClinVar's aggregate classification.

NM_178170.3(NEK8):c.486G>A (p.Thr162=)

Gene: NEK8 (NIMA related kinase 8; plus strand). Cytogenetic location: 17q11.2.
Variant type: single nucleotide variant.
Coding change: c.486G>A on transcript NM_178170.3 (MANE Select); coding-DNA position 486, G replaced by A.
Protein change: p.Thr162=; no amino-acid change (threonine 162 retained).
Molecular consequence: synonymous variant.
Genome position (GRCh38, 1-based): chr17:28,735,004, G>A. VCF-style: chr17-28735004-G-A. GRCh37 (hg19) VCF-style: chr17-27062022-G-A.
Other names: NC_000017.10:g.27062022G>A.
Identifiers: ClinVar variation 3382918 (VCV003382918.3).